The following is an entry in ClinVar:

ClinVar aggregate classification (germline): Uncertain significance (1 of 4 stars; one submission).

Conditions:
SH2B1-related disorder. Also called: SH2B1-related condition.

Submission:

PreventionGenetics, part of Exact Sciences
Classification: Uncertain significance for SH2B1-related condition. Last evaluated: 2025-07-30. Review status: criteria provided, single submitter. Criteria: ACMG Guidelines, 2015. Collection method: clinical testing. Allele origin: germline.
Comment: The SH2B1 c.10G>A variant is predicted to result in the amino acid substitution p.Ala4Thr. To our knowledge, this variant has not been reported in the literature. This variant is reported in 0.0040% of alleles in individuals of South Asian descent in gnomAD. At this time, the clinical significance of this variant is uncertain due to the absence of conclusive functional and genetic evidence.

NM_001387430.1(SH2B1):c.10G>A (p.Ala4Thr)

Gene: SH2B1 (SH2B adaptor protein 1; plus strand). Cytogenetic location: 16p11.2.
Variant type: single nucleotide variant.
Coding change: c.10G>A on transcript NM_001387430.1 (MANE Select); coding-DNA position 10, G replaced by A.
Protein change: p.Ala4Thr; replaces alanine 4 with threonine.
Molecular consequence: missense variant. On other transcripts: intron variant (1).
Genome position (GRCh38, 1-based): chr16:28,866,104, G>A. VCF-style: chr16-28866104-G-A. GRCh37 (hg19) VCF-style: chr16-28877425-G-A.
Other names: c.10G>A, p.Ala4Thr (NM_001145795.2, NM_001145796.2, NM_001145797.2 and 4 more transcripts); c.-26-1270G>A (NM_001308294.2); short protein forms A4T.
Identifiers: ClinVar variation 4981095 (VCV004981095.1).
Genomic context (GRCh38, chr16:28,866,104, plus strand): 5'-CTCCCTCTTTGTGCCCCACAGGCTCCCCCTCTCCACCTCCTGGGGCCCATCATGAATGGT[G>A]CCCCTTCCCCAGAGGACGGGGCCTCCCCCTCGTCTCCCCCGCTGCCCCCACCCCCGCCCC-3'
Protein context (NP_001374359.1, residues 1-14): MNG[Ala4Thr]PSPEDGASPS